The following is an entry in ClinVar:

ClinVar aggregate classification (germline): Uncertain significance (1 of 4 stars; one submission).

Conditions:
Alstrom syndrome (ALMS). Identifiers: Orphanet 64, MedGen C0268425, MONDO:0008763, OMIM 203800.

Allele frequency attached by ClinVar (database versions not stated): gnomAD exomes below 0.00001; TOPMed below 0.00001.
gnomAD v4.1: 8 of 1,614,066 alleles (0.0005%); highest among the groups gnomAD compares: South Asian, 0.0011%; no homozygotes.

Submission:

Labcorp Genetics (formerly Invitae), Labcorp
Classification: Uncertain significance for Alstrom syndrome. Last evaluated: 2026-01-26. Review status: criteria provided, single submitter. Criteria: Invitae Variant Classification Sherloc (09022015). Collection method: clinical testing. Allele origin: germline.
Comment: This sequence change replaces arginine, which is basic and polar, with glutamine, which is neutral and polar, at codon 2617 of the ALMS1 protein (p.Arg2617Gln). This variant is not present in population databases (gnomAD no frequency). This variant has not been reported in the literature in individuals affected with ALMS1-related conditions. ClinVar contains an entry for this variant (Variation ID: 2154172). Experimental studies and prediction algorithms are not available or were not evaluated, and the functional significance of this variant is currently unknown. In summary, the available evidence is currently insufficient to determine the role of this variant in disease. Therefore, it has been classified as a Variant of Uncertain Significance.

NM_001378454.1(ALMS1):c.7847G>A (p.Arg2616Gln)

Gene: ALMS1 (ALMS1 centrosome and basal body associated protein; plus strand). Cytogenetic location: 2p13.1.
Variant type: single nucleotide variant.
Coding change: c.7847G>A on transcript NM_001378454.1 (MANE Select); coding-DNA position 7847, G replaced by A.
Protein change: p.Arg2616Gln; replaces arginine 2616 with glutamine.
Molecular consequence: missense variant.
Genome position (GRCh38, 1-based): chr2:73,489,806, G>A. VCF-style: chr2-73489806-G-A. GRCh37 (hg19) VCF-style: chr2-73716933-G-A.
Other names: c.7850G>A, p.Arg2617Gln (NM_015120.4); short protein forms R2616Q, R2617Q.
Identifiers: ClinVar variation 2154172 (VCV002154172.4), dbSNP rs1191032728, ClinGen allele CA347265954.